The following is an entry in ClinVar:

ClinVar aggregate classification (germline): Likely pathogenic (1 of 4 stars; one submission).

Conditions:
Duchenne muscular dystrophy (DMD). Also called: Duchenne Muscular Dystrophy (DMD); MUSCULAR DYSTROPHY, PSEUDOHYPERTROPHIC PROGRESSIVE, DUCHENNE TYPE. Identifiers: Orphanet 98896, MedGen C0013264, MONDO:0010679, OMIM 310200.

Submission:

Labcorp Genetics (formerly Invitae), Labcorp
Classification: Likely pathogenic for Duchenne muscular dystrophy. Last evaluated: 2021-12-19. Review status: criteria provided, single submitter. Criteria: Invitae Variant Classification Sherloc (09022015). Collection method: clinical testing. Allele origin: germline.
Comment: In summary, the currently available evidence indicates that the variant is pathogenic, but additional data are needed to prove that conclusively. Therefore, this variant has been classified as Likely Pathogenic. This variant has not been reported in the literature in individuals affected with DMD-related conditions. This variant results in a copy number gain of the genomic region encompassing exon(s) 54-65 of the DMD gene. While the exact position of this variant cannot be determined from the data, sub-genic copy number gains are generally in tandem (PMID: 25640679). This variant is predicted to be out-of-frame, and may result in an absent or disrupted protein product. Loss-of-function variants in DMD are known to be pathogenic (PMID: 16770791, 25007885).

Literature cited by the submitters: PubMed 25640679; PubMed 16770791; PubMed 25007885.

NC_000023.10:g.(?_31227595)_(31676281_?)dup

Gene: DMD (dystrophin; minus strand). Cytogenetic location: Xp21.2-21.1.
Variant type: Duplication.
Identifiers: ClinVar variation 2424984 (VCV002424984.5).